The following is an entry in ClinVar:

ClinVar aggregate classification (germline): Pathogenic. Review status: criteria provided, multiple submitters, no conflicts (2 of 4 stars). 2 submissions from 2 submitters: Pathogenic (2). Last evaluated 2024-10-11.

Conditions:
Severe myoclonic epilepsy in infancy (DRVT). Also called: SEVERE MYOCLONIC EPILEPSY OF INFANCY; Epileptic encephalopathy, early infantile, 6 (Dravet syndrome); DEVELOPMENTAL AND EPILEPTIC ENCEPHALOPATHY 6A; Severe Myoclonic Epilepsy in Infancy (SMEI); Dravet syndrome. Identifiers: Orphanet 33069, MedGen C0751122, MONDO:0100135, OMIM 607208.
Early-infantile DEE. Also called: Ohtahara syndrome; Early infantile epileptic encephalopathy with suppression bursts; Early infantile epileptic encephalopathy. Identifiers: Orphanet 1934, MedGen C0393706, MONDO:0800491.

Submissions (2):

Victorian Clinical Genetics Services, Murdoch Childrens Research Institute
Classification: Pathogenic for Severe myoclonic epilepsy in infancy. Last evaluated: 2024-10-11. Review status: criteria provided, single submitter. Criteria: ACMG Guidelines, 2015. Collection method: clinical testing. Allele origin: germline. Inheritance: Autosomal dominant inheritance. Affected: yes.
Comment: Based on the classification scheme VCGS_Germline_v1.3.4, this variant is classified as Pathogenic. Following criteria are met: 0103 - Loss of function and gain of function are known mechanisms of disease in this gene and are associated with SCN1A-related epilepsy (PMID: 28488083). (I) 0107 - This gene is associated with autosomal dominant disease. (I) 0201 - Variant is predicted to cause nonsense-mediated decay (NMD) and loss of protein (premature termination codon is located at least 54 nucleotides upstream of the final exon-exon junction). (SP) 0251 - This variant is heterozygous. (I) 0301 - Variant is absent from gnomAD (both v2 and v3). (SP) 0701 - Other NMD predicted variants comparable to the one identified in this case have very strong previous evidence for pathogenicity (DECIPHER). (SP) 0803 - This variant has limited previous evidence of pathogenicity in an unrelated individual. This variant has been classified as pathogenic by a clinical laboratory in ClinVar. (SP) 0905 - No published segregation evidence has been identified for this variant. (I) 1007 - No published functional evidence has been identified for this variant. (SP) Legend: (SP) - Supporting pathogenic, (I) - Information, (SB) - Supporting benign

Labcorp Genetics (formerly Invitae), Labcorp
Classification: Pathogenic for Early-infantile DEE. Last evaluated: 2023-12-19. Review status: criteria provided, single submitter. Criteria: Invitae Variant Classification Sherloc (09022015). Collection method: clinical testing. Allele origin: germline.
Comment: This sequence change creates a premature translational stop signal (p.Glu496Lysfs*48) in the SCN1A gene. It is expected to result in an absent or disrupted protein product. Loss-of-function variants in SCN1A are known to be pathogenic (PMID: 17347258, 18930999). This variant is not present in population databases (gnomAD no frequency). This variant has not been reported in the literature in individuals affected with SCN1A-related conditions. ClinVar contains an entry for this variant (Variation ID: 1455816). For these reasons, this variant has been classified as Pathogenic.

Literature cited by the submitters: PubMed 28488083 (cited by Victorian Clinical Genetics Services, Murdoch Childrens Research Institute); PubMed 17347258 (cited by Labcorp Genetics (formerly Invitae), Labcorp); PubMed 18930999 (cited by Labcorp Genetics (formerly Invitae), Labcorp).

NM_001165963.4(SCN1A):c.1486del (p.Glu496fs)

Gene: SCN1A (sodium voltage-gated channel alpha subunit 1; minus strand). Cytogenetic location: 2q24.3.
Variant type: Deletion.
Coding change: c.1486del on transcript NM_001165963.4 (MANE Select); coding-DNA position 1486, one base deleted (G; older notation c.1486delG).
Protein change: p.Glu496fs; shifts the reading frame from glutamic acid 496.
Molecular consequence: frameshift variant. On other transcripts: 5 prime UTR variant (1), non-coding transcript variant (1).
Genome position (GRCh38, 1-based): chr2:166,045,219, C deleted on the plus strand (G on the coding strand, the reverse complement: SCN1A is on the minus strand); the first of 2 consecutive C bases (chr2:166,045,219-166,045,220); deleting either gives the same sequence. VCF-style (leftmost placement, unchanged base first): chr2-166045218-TC-T. GRCh37 (hg19) VCF-style: chr2-166901728-TC-T.
Other names: c.1486del, p.Glu496fs (NM_001165964.3, NM_001202435.3, NM_001353948.2 and 7 more transcripts); c.1483del, p.Glu495fs (NM_001353954.2, NM_001353955.2, NM_001353960.2); c.-940del (NM_001353961.2); c.1486delG (NM_001165963.2); short protein forms E496fs, E495fs.
Identifiers: ClinVar variation 1455816 (VCV001455816.9), dbSNP rs2105851829, ClinGen allele CA2573133540.